The following is an entry in ClinVar:

ClinVar aggregate classification (germline): Uncertain significance (1 of 4 stars; one submission).

Conditions:
Inborn genetic diseases. Identifiers: MedGen C0950123, MeSH D030342.

gnomAD v4.1: 1 of 1,614,206 alleles (0.000062%); highest among the groups gnomAD compares: Non-Finnish European, 0.000085%; no homozygotes.

Submission:

Ambry Genetics
Classification: Uncertain significance for Inborn genetic diseases. Last evaluated: 2024-09-30. Review status: criteria provided, single submitter. Criteria: Ambry Variant Classification Scheme 2023. Collection method: clinical testing. Allele origin: germline.
Comment: The p.T568K variant (also known as c.1703C>A), located in coding exon 12 of the EPAS1 gene, results from a C to A substitution at nucleotide position 1703. The threonine at codon 568 is replaced by lysine, an amino acid with similar properties. This amino acid position is conserved. In addition, this alteration is predicted to be tolerated by in silico analysis. Based on the available evidence, the clinical significance of this variant remains unclear.

NM_001430.5(EPAS1):c.1703C>A (p.Thr568Lys)

Gene: EPAS1 (endothelial PAS domain protein 1; plus strand). Cytogenetic location: 2p21.
Variant type: single nucleotide variant.
Coding change: c.1703C>A on transcript NM_001430.5 (MANE Select); coding-DNA position 1703, C replaced by A.
Protein change: p.Thr568Lys; replaces threonine 568 with lysine.
Molecular consequence: missense variant.
Genome position (GRCh38, 1-based): chr2:46,380,375, C>A. VCF-style: chr2-46380375-C-A. GRCh37 (hg19) VCF-style: chr2-46607514-C-A.
Other names: short protein forms T568K.
Identifiers: ClinVar variation 3508990 (VCV003508990.1).